The following is an entry in ClinVar:

ClinVar aggregate classification (germline): Uncertain significance (1 of 4 stars; one submission).

Submission:

GeneDx
Classification: Uncertain significance. Last evaluated: 2026-03-25. Review status: criteria provided, single submitter. Criteria: GeneDx Variant Classification Process June 2021. Collection method: clinical testing. Allele origin: germline.
Comment: In-frame deletion of 2 amino acid(s) in a non-repeat region; Not observed at significant frequency in large population cohorts (gnomAD); In silico analysis suggests that this variant does not alter protein structure/function; Has not been previously published as pathogenic or benign to our knowledge

NM_001190274.2(FBXO11):c.68AGC[2] (p.Gln25_Gln26del)

Genes: FBXO11 (F-box protein 11; minus strand), LOC100506235 (uncharacterized LOC100506235; plus strand). Cytogenetic location: 2p16.3.
Variant type: Microsatellite.
Coding change: c.68AGC[2] on transcript NM_001190274.2 (MANE Select); two copies in a row of the 3-base unit AGC starting at c.68; the reference has four copies in a row; two copies, 6 bases deleted.
Protein change: p.Gln25_Gln26del.
Molecular consequence: inframe deletion. On other transcripts: non-coding transcript variant (1).
Genome position (GRCh38, 1-based): chr2:47,905,642-47,905,647, GCTGCT deleted on the plus strand (AGCAGC on the coding strand, the reverse complement: FBXO11 is on the minus strand); deleting any 6 consecutive bases within chr2:47,905,642-47,905,654 gives the same sequence; the position shown is the placement nearest the transcript's 3' end. VCF-style (leftmost placement, unchanged base first): chr2-47905641-GGCTGCT-G. GRCh37 (hg19) VCF-style: chr2-48132780-GGCTGCT-G.
Identifiers: ClinVar variation 5017244 (VCV005017244.1).